The following is an entry in ClinVar:

ClinVar aggregate classification (germline): Uncertain significance (1 of 4 stars; one submission).

Conditions:
Cardiovascular phenotype. Identifiers: MedGen CN230736.

Allele frequency attached by ClinVar (database versions not stated): gnomAD exomes below 0.00001.
gnomAD v4.1: 2 of 1,613,718 alleles (0.00012%); highest among the groups gnomAD compares: African/African-American, 0.0027%; no homozygotes.

Submission:

Ambry Genetics
Classification: Uncertain significance for Cardiovascular phenotype. Last evaluated: 2025-03-28. Review status: criteria provided, single submitter. Criteria: Ambry Variant Classification Scheme 2023. Collection method: clinical testing. Allele origin: germline.
Comment: The p.S636F variant (also known as c.1907C>T), located in coding exon 10 of the JUP gene, results from a C to T substitution at nucleotide position 1907. The serine at codon 636 is replaced by phenylalanine, an amino acid with highly dissimilar properties. This amino acid position is well conserved in available vertebrate species. In addition, this alteration is predicted to be deleterious by in silico analysis. Based on the available evidence, the clinical significance of this variant remains unclear.

NM_002230.4(JUP):c.1907C>T (p.Ser636Phe)

Gene: JUP (junction plakoglobin; minus strand). Cytogenetic location: 17q21.2.
Variant type: single nucleotide variant.
Coding change: c.1907C>T on transcript NM_002230.4 (MANE Select); coding-DNA position 1907, C replaced by T.
Protein change: p.Ser636Phe; replaces serine 636 with phenylalanine.
Molecular consequence: missense variant.
Genome position (GRCh38, 1-based): chr17:41,757,651, G>A on the plus strand (C>T on the coding strand, the complement: JUP is on the minus strand). VCF-style: chr17-41757651-G-A. GRCh37 (hg19) VCF-style: chr17-39913903-G-A.
Other names: c.1907C>T, p.Ser636Phe (NM_001352773.2, NM_001352774.2, NM_001352775.2 and 3 more transcripts); short protein forms S636F.
Identifiers: ClinVar variation 1782413 (VCV001782413.3), dbSNP rs1914062783, ClinGen allele CA399492137.